The following is an entry in ClinVar:

NM_003489.4(NRIP1):c.2264T>G (p.Ile755Arg)

Gene: NRIP1 (nuclear receptor interacting protein 1; minus strand). Cytogenetic location: 21q11.2.
Variant type: single nucleotide variant.
Coding change: c.2264T>G on transcript NM_003489.4 (MANE Select); coding-DNA position 2264, T replaced by G.
Protein change: p.Ile755Arg; replaces isoleucine 755 with arginine.
Molecular consequence: missense variant.
Genome position (GRCh38, 1-based): chr21:14,965,929, A>C on the plus strand (T>G on the coding strand, the complement: NRIP1 is on the minus strand). VCF-style: chr21-14965929-A-C. GRCh37 (hg19) VCF-style: chr21-16338250-A-C.
Other names: short protein forms I755R.
Identifiers: ClinVar variation 1994099 (VCV001994099.4), dbSNP rs997348955, ClinGen allele CA317653534.

ClinVar aggregate classification (germline): Uncertain significance (1 of 4 stars; one submission).

Allele frequency attached by ClinVar (database versions not stated): gnomAD 0.00001; gnomAD exomes below 0.00001; TOPMed 0.00001.
gnomAD v4.1: 2 of 1,613,922 alleles (0.00012%); highest among the groups gnomAD compares: Admixed American, 0.0033%; no homozygotes.

Submission:

Labcorp Genetics (formerly Invitae), Labcorp
Classification: Uncertain significance. Last evaluated: 2026-01-19. Review status: criteria provided, single submitter. Criteria: Invitae Variant Classification Sherloc (09022015). Collection method: clinical testing. Allele origin: germline.
Comment: This sequence change replaces isoleucine, which is neutral and non-polar, with arginine, which is basic and polar, at codon 755 of the NRIP1 protein (p.Ile755Arg). This variant is not present in population databases (gnomAD no frequency). This variant has not been reported in the literature in individuals affected with NRIP1-related conditions. ClinVar contains an entry for this variant (Variation ID: 1994099). An algorithm developed to predict the effect of missense changes on protein structure and function (PolyPhen-2) suggests that this variant is likely to be disruptive. In summary, the available evidence is currently insufficient to determine the role of this variant in disease. Therefore, it has been classified as a Variant of Uncertain Significance.